The following is an entry in ClinVar:

ClinVar aggregate classification (germline): Uncertain significance (1 of 4 stars; one submission).

Submission:

Ambry Genetics
Classification: Uncertain significance. Last evaluated: 2024-07-15. Review status: criteria provided, single submitter. Criteria: Ambry Variant Classification Scheme 2023. Collection method: clinical testing. Allele origin: germline.
Comment: The p.P12T variant (also known as c.34C>A), located in coding exon 1 of the BUB3 gene, results from a C to A substitution at nucleotide position 34. The proline at codon 12 is replaced by threonine, an amino acid with highly similar properties. This amino acid position is conserved. In addition, this alteration is predicted to be tolerated by in silico analysis. Based on the available evidence, the clinical significance of this variant remains unclear.

NM_004725.4(BUB3):c.34C>A (p.Pro12Thr)

Gene: BUB3 (BUB3 mitotic checkpoint protein; plus strand). Cytogenetic location: 10q26.13.
Variant type: single nucleotide variant.
Coding change: c.34C>A on transcript NM_004725.4 (MANE Select); coding-DNA position 34, C replaced by A.
Protein change: p.Pro12Thr; replaces proline 12 with threonine.
Molecular consequence: missense variant.
Genome position (GRCh38, 1-based): chr10:123,154,951, C>A. VCF-style: chr10-123154951-C-A. GRCh37 (hg19) VCF-style: chr10-124914467-C-A.
Other names: c.34C>A, p.Pro12Thr (NM_001007793.3); short protein forms P12T.
Identifiers: ClinVar variation 3483275 (VCV003483275.1).